The following is an entry in ClinVar:

NM_001256071.3(RNF213):c.12208G>A (p.Val4070Ile)

Genes: RNF213 (ring finger protein 213; plus strand), RNF213-AS1 (RNF213 antisense RNA 1; minus strand). Cytogenetic location: 17q25.3.
Variant type: single nucleotide variant.
Coding change: c.12208G>A on transcript NM_001256071.3 (MANE Select); coding-DNA position 12208, G replaced by A.
Protein change: p.Val4070Ile; replaces valine 4070 with isoleucine.
Molecular consequence: missense variant.
Genome position (GRCh38, 1-based): chr17:80,369,554, G>A. VCF-style: chr17-80369554-G-A. GRCh37 (hg19) VCF-style: chr17-78343354-G-A.
Other names: c.12355G>A, p.Val4119Ile (NM_001410195.1, NM_020914.5); short protein forms V4119I, V4070I.
Identifiers: ClinVar variation 4989032 (VCV004989032.1).

ClinVar aggregate classification (germline): Uncertain significance (1 of 4 stars; one submission).

Conditions:
RNF213-related disorder. Also called: RNF213-related condition.

gnomAD v4.1: 41 of 1,614,200 alleles (0.0025%); highest among the groups gnomAD compares: African/African-American, 0.012%; no homozygotes.

Submission:

PreventionGenetics, part of Exact Sciences
Classification: Uncertain significance for RNF213-related condition. Last evaluated: 2025-08-04. Review status: criteria provided, single submitter. Criteria: ACMG Guidelines, 2015. Collection method: clinical testing. Allele origin: germline.
Comment: The RNF213 c.12208G>A variant is predicted to result in the amino acid substitution p.Val4070Ile. To our knowledge, this variant has not been reported in the literature. This variant is reported in 0.018% of alleles in individuals of African descent in gnomAD. At this time, the clinical significance of this variant is uncertain due to the absence of conclusive functional and genetic evidence.